The following is an entry in ClinVar:

NM_198253.3(TERT):c.3323C>A (p.Pro1108Gln)

Gene: TERT (telomerase reverse transcriptase; minus strand). Cytogenetic location: 5p15.33.
Variant type: single nucleotide variant.
Coding change: c.3323C>A on transcript NM_198253.3 (MANE Select); coding-DNA position 3323, C replaced by A.
Protein change: p.Pro1108Gln; replaces proline 1108 with glutamine.
Molecular consequence: missense variant. On other transcripts: non-coding transcript variant (2).
Genome position (GRCh38, 1-based): chr5:1,253,804, G>T on the plus strand (C>A on the coding strand, the complement: TERT is on the minus strand). VCF-style: chr5-1253804-G-T. GRCh37 (hg19) VCF-style: chr5-1253919-G-T.
Other names: c.3134C>A, p.Pro1045Gln (NM_001193376.3); short protein forms P1045Q, P1108Q.
Identifiers: ClinVar variation 3754215 (VCV003754215.2).

ClinVar aggregate classification (germline): Uncertain significance (1 of 4 stars; one submission).

Conditions:
Dyskeratosis congenita, autosomal dominant 2. Identifiers: MedGen C3151443, MONDO:0013521, OMIM 613989.
Idiopathic Pulmonary Fibrosis. Also called: Idiopathic fibrosing alveolitis, chronic form; idiopathic fibrosing alveolitis. Identifiers: Orphanet 2032, MedGen C1800706, MeSH D054990, MONDO:0800504.

Submission:

Labcorp Genetics (formerly Invitae), Labcorp
Classification: Uncertain significance for Dyskeratosis congenita, autosomal dominant 2; Idiopathic Pulmonary Fibrosis. Last evaluated: 2024-07-24. Review status: criteria provided, single submitter. Criteria: Invitae Variant Classification Sherloc (09022015). Collection method: clinical testing. Allele origin: germline.
Comment: This sequence change replaces proline, which is neutral and non-polar, with glutamine, which is neutral and polar, at codon 1108 of the TERT protein (p.Pro1108Gln). This variant is not present in population databases (gnomAD no frequency). This variant has not been reported in the literature in individuals affected with TERT-related conditions. Advanced modeling of protein sequence and biophysical properties (such as structural, functional, and spatial information, amino acid conservation, physicochemical variation, residue mobility, and thermodynamic stability) performed at Invitae indicates that this missense variant is expected to disrupt TERT protein function with a positive predictive value of 95%. In summary, the available evidence is currently insufficient to determine the role of this variant in disease. Therefore, it has been classified as a Variant of Uncertain Significance.